The following is an entry in ClinVar:

ClinVar aggregate classification (germline): Uncertain significance (1 of 4 stars; one submission).

Conditions:
Charcot-Marie-Tooth Neuropathy X. Identifiers: MedGen CN118851.

Submission:

Labcorp Genetics (formerly Invitae), Labcorp
Classification: Uncertain significance for Charcot-Marie-Tooth Neuropathy X. Last evaluated: 2025-09-29. Review status: criteria provided, single submitter. Criteria: Invitae Variant Classification Sherloc (09022015). Collection method: clinical testing. Allele origin: germline.
Comment: This sequence change replaces serine, which is neutral and polar, with proline, which is neutral and non-polar, at codon 308 of the PRPS1 protein (p.Ser308Pro). This variant is not present in population databases (gnomAD no frequency). This variant has not been reported in the literature in individuals affected with PRPS1-related conditions. Invitae Evidence Modeling of protein sequence and biophysical properties (such as structural, functional, and spatial information, amino acid conservation, physicochemical variation, residue mobility, and thermodynamic stability) indicates that this missense variant is not expected to disrupt PRPS1 protein function with a negative predictive value of 80%. In summary, the available evidence is currently insufficient to determine the role of this variant in disease. Therefore, it has been classified as a Variant of Uncertain Significance.

NM_002764.4(PRPS1):c.922T>C (p.Ser308Pro)

Gene: PRPS1 (phosphoribosyl pyrophosphate synthetase 1; plus strand). Cytogenetic location: Xq22.3.
Variant type: single nucleotide variant.
Coding change: c.922T>C on transcript NM_002764.4 (MANE Select); coding-DNA position 922, T replaced by C.
Protein change: p.Ser308Pro; replaces serine 308 with proline.
Molecular consequence: missense variant.
Genome position (GRCh38, 1-based): chrX:107,649,997, T>C. VCF-style: chrX-107649997-T-C. GRCh37 (hg19) VCF-style: chrX-106893227-T-C.
Other names: c.310T>C, p.Ser104Pro (NM_001204402.2); short protein forms S104P, S308P.
Identifiers: ClinVar variation 4744856 (VCV004744856.1).